The following is an entry in ClinVar:

ClinVar aggregate classification (germline): Likely benign. Review status: criteria provided, multiple submitters, no conflicts (2 of 4 stars). 2 submissions from 2 submitters: Likely benign (2). Last evaluated 2025-02-23.

Conditions:
Developmental and epileptic encephalopathy, 31A. Also called: Developmental and epileptic encephalopathy, 31; Epileptic encephalopathy, early infantile, 31. Identifiers: Orphanet 2382, MedGen C4225357, MONDO:0014598, OMIM 616346.

Allele frequency attached by ClinVar (database versions not stated): gnomAD exomes 0.00001 and 0.00002; ExAC 0.00003.
gnomAD v4.1: 16 of 1,614,052 alleles (0.00099%); highest among the groups gnomAD compares: South Asian, 0.018%; no homozygotes.

Submissions (2):

Labcorp Genetics (formerly Invitae), Labcorp
Classification: Likely benign for Developmental and epileptic encephalopathy, 31A. Last evaluated: 2025-02-23. Review status: criteria provided, single submitter. Criteria: Invitae Variant Classification Sherloc (09022015). Collection method: clinical testing. Allele origin: germline.

GeneDx
Classification: Likely benign. Last evaluated: 2018-01-12. Review status: criteria provided, single submitter. Criteria: GeneDx Variant Classification (06012015). Collection method: clinical testing. Allele origin: germline. Affected: yes.
Comment: This variant is considered likely benign or benign based on one or more of the following criteria: it is a conservative change, it occurs at a poorly conserved position in the protein, it is predicted to be benign by multiple in silico algorithms, and/or has population frequency not consistent with disease.

NM_004408.4(DNM1):c.1755C>T (p.Ile585=)

Gene: DNM1 (dynamin 1; plus strand). Cytogenetic location: 9q34.11.
Variant type: single nucleotide variant.
Coding change: c.1755C>T on transcript NM_004408.4 (MANE Select); coding-DNA position 1755, C replaced by T.
Protein change: p.Ile585=; no amino-acid change (isoleucine 585 retained).
Molecular consequence: synonymous variant.
Genome position (GRCh38, 1-based): chr9:128,246,477, C>T. VCF-style: chr9-128246477-C-T. GRCh37 (hg19) VCF-style: chr9-131008756-C-T.
Other names: c.1755C>T, p.Ile585= (NM_001005336.3, NM_001288737.2, NM_001288738.2 and 1 more transcripts).
Identifiers: ClinVar variation 514706 (VCV000514706.6), dbSNP rs759079310, ClinGen allele CA5258327.